The following is an entry in ClinVar:

ClinVar aggregate classification (germline): Uncertain significance. Review status: criteria provided, multiple submitters, no conflicts (2 of 4 stars). 2 submissions from 2 submitters: Uncertain significance (2). Last evaluated 2025-08-03.

Conditions:
Chédiak-Higashi syndrome (CHS). Also called: Chediak-Higashi Syndrome. Identifiers: Orphanet 167, MedGen C0007965, MONDO:0008963, OMIM 214500.

gnomAD v4.1: 4 of 1,612,770 alleles (0.00025%); highest among the groups gnomAD compares: Non-Finnish European, 0.00034%; no homozygotes.

Submissions (2):

Mayo Clinic Laboratories, Mayo Clinic
Classification: Uncertain significance. Last evaluated: 2025-08-03. Review status: criteria provided, single submitter. Criteria: ACMG Guidelines, 2015. Collection method: clinical testing. Allele origin: germline. Observed: 1 variant allele.
Comment: BP4_moderate

Department of Pathology and Laboratory Medicine, Sinai Health System
Classification: Uncertain significance for Chédiak-Higashi syndrome. Last evaluated: 2021-11-23. Review status: criteria provided, single submitter. Criteria: ACMG Guidelines, 2015. Collection method: research. Allele origin: germline.

NM_000081.4(LYST):c.5006A>G (p.Asn1669Ser)

Gene: LYST (lysosomal trafficking regulator; minus strand). Cytogenetic location: 1q42.3.
Variant type: single nucleotide variant.
Coding change: c.5006A>G on transcript NM_000081.4 (MANE Select); coding-DNA position 5006, A replaced by G.
Protein change: p.Asn1669Ser; replaces asparagine 1669 with serine.
Molecular consequence: missense variant.
Genome position (GRCh38, 1-based): chr1:235,781,944, T>C on the plus strand (A>G on the coding strand, the complement: LYST is on the minus strand). VCF-style: chr1-235781944-T-C. GRCh37 (hg19) VCF-style: chr1-235945244-T-C.
Other names: p.Asn1669Ser; c.5006A>G, p.Asn1669Ser (NM_001301365.1); short protein forms N1669S.
Identifiers: ClinVar variation 3891606 (VCV003891606.2).